The following is an entry in ClinVar:

NM_004656.4(BAP1):c.2057-16_2058dup

Gene: BAP1 (BRCA1 associated deubiquitinase 1; minus strand). Cytogenetic location: 3p21.1.
Variant type: Duplication.
Coding change: c.2057-16_2058dup on transcript NM_004656.4 (MANE Select); 16 bases into the intron before coding-DNA position 2057 through coding-DNA position 2058, 18 bases duplicated (CTCTACCTCTTCGCAGGC).
Molecular consequence: splice acceptor variant.
Genome position (GRCh38, 1-based): chr3:52,402,420-52,402,437, GCCTGCGAAGAGGTAGAG duplicated on the plus strand (CTCTACCTCTTCGCAGGC on the coding strand, the reverse complement: BAP1 is on the minus strand). VCF-style (leftmost placement, unchanged base first): chr3-52402419-T-TGCCTGCGAAGAGGTAGAG. GRCh37 (hg19) VCF-style: chr3-52436435-T-TGCCTGCGAAGAGGTAGAG.
Other names: c.2003-16_2004dup (NM_001410772.1).
Identifiers: ClinVar variation 4842550 (VCV004842550.1).
Genomic context (GRCh38, chr3:52,402,419, plus strand): 5'-CGATGCTGACCCCTTGGCGCCGCCGCACGGAGATGTTCTGCTCCACTAGGTTGGCCAGCA[T>TGCCTGCGAAGAGGTAGAG]GCCTGCGAAGAGGTAGAGACCCTTGAGCAGGTGCTGGCTGCCTCAGGCCAGGAGCTGAGG-3'

ClinVar aggregate classification (germline): Uncertain significance (1 of 4 stars; one submission).

Conditions:
Hereditary cancer-predisposing syndrome. Also called: Neoplastic Syndromes, Hereditary; Tumor predisposition; Hereditary Cancer Syndrome; Hereditary neoplastic syndrome. Identifiers: Orphanet 140162, MedGen C0027672, MeSH D009386, MONDO:0015356.

Submission:

Ambry Genetics
Classification: Uncertain significance for Hereditary cancer-predisposing syndrome. Last evaluated: 2026-01-16. Review status: criteria provided, single submitter. Criteria: Ambry Variant Classification Scheme 2023. Collection method: clinical testing. Allele origin: germline.
Comment: The c.2057-16_2058DUP18 variant results from a duplication of 18 nucleotides between positions c.2057-16 and c.2058 and involves the canonical splice acceptor site before coding exon 17 of the BAP1 gene. The canonical splice acceptor site is highly conserved in available vertebrate species. In silico splice site analysis predicts that this alteration will result in the creation or strengthening of a novel splice acceptor site. RNA studies have demonstrated that this alteration results in a splice defect; the clinical impact of this abnormal splicing is unknown at this time (Ambry internal data). Based on the available evidence, the clinical significance of this variant remains unclear.